The following is an entry in ClinVar:

NM_000257.4(MYH7):c.94G>A (p.Asp32Asn)

Gene: MYH7 (myosin heavy chain 7; minus strand). Cytogenetic location: 14q11.2.
Variant type: single nucleotide variant.
Coding change: c.94G>A on transcript NM_000257.4 (MANE Select); coding-DNA position 94, G replaced by A.
Protein change: p.Asp32Asn; replaces aspartic acid 32 with asparagine.
Molecular consequence: missense variant.
Genome position (GRCh38, 1-based): chr14:23,433,639, C>T on the plus strand (G>A on the coding strand, the complement: MYH7 is on the minus strand). VCF-style: chr14-23433639-C-T. GRCh37 (hg19) VCF-style: chr14-23902848-C-T.
Other names: short protein forms D32N.
Identifiers: ClinVar variation 1171322 (VCV001171322.2), dbSNP rs2138686791, ClinGen allele CA389053938.

ClinVar aggregate classification (germline): Uncertain significance (1 of 4 stars; one submission).

Conditions:
Cardiomyopathy (CMYO). Also called: Cardiomyopathies. Identifiers: Orphanet 167848, MedGen C0878544, MONDO:0004994, HP:0001638. Inheritance: Various modes of inheritance.

Submission:

Color Diagnostics, LLC DBA Color Health
Classification: Uncertain significance for Cardiomyopathy. Last evaluated: 2020-07-21. Review status: criteria provided, single submitter. Criteria: ACMG Guidelines, 2015. Collection method: clinical testing. Allele origin: germline.
Comment: This missense variant replaces aspartic acid with asparagine at codon 32 of the MYH7 protein. Computational prediction suggests that this variant may not impact protein structure and function (internally defined REVEL score threshold <= 0.5, PMID: 27666373). To our knowledge, functional studies have not been reported for this variant. This variant has not been reported in individuals affected with cardiovascular disorders in the literature. This variant has not been identified in the general population by the Genome Aggregation Database (gnomAD). The available evidence is insufficient to determine the role of this variant in disease conclusively. Therefore, this variant is classified as a Variant of Uncertain Significance.